The following is an entry in ClinVar:

NM_000179.3(MSH6):c.928_929del (p.Ser309_Leu310insTer)

Gene: MSH6 (mutS homolog 6; plus strand). Cytogenetic location: 2p16.3.
Variant type: Microsatellite.
Coding change: c.928_929del on transcript NM_000179.3 (MANE Select); coding-DNA positions 928 to 929, 2 bases deleted (CT; older notation c.928_929delCT).
Protein change: p.Ser309_Leu310insTer.
Molecular consequence: nonsense.
Genome position (GRCh38, 1-based): chr2:47,798,911-47,798,912, CT deleted; deleting any 2 consecutive bases within chr2:47,798,907-47,798,912 gives the same sequence; the c. name uses the placement nearest the transcript's 3' end. VCF-style (leftmost placement, unchanged base first): chr2-47798906-GCT-G. GRCh37 (hg19) VCF-style: chr2-48026045-GCT-G.
Other names: c.538_539del, p.Ser179_Leu180insTer (NM_001281492.2); c.22_23del, p.Ser7_Leu8insTer (NM_001281493.2, NM_001281494.2).
Identifiers: ClinVar variation 1072621 (VCV001072621.11), dbSNP rs2104306720, ClinGen allele CA2580611332.
Genomic context (GRCh38, chr2:47,798,906, plus strand): 5'-AAGGCCTGAACAGCCCTGTCAAAGTTGCTCGAAAGCGGAAGAGAATGGTGACTGGAAATG[GCT>G]CTCTTAAAAGGAAAAGCTCTAGGAAGGAAACGCCCTCAGCCACCAAACAAGCAACTAGCA-3'

ClinVar aggregate classification (germline): Pathogenic. Review status: criteria provided, multiple submitters, no conflicts (2 of 4 stars). 2 submissions from 2 submitters: Pathogenic (2). Last evaluated 2020-02-27.

Conditions:
Hereditary cancer-predisposing syndrome. Also called: Tumor predisposition; Hereditary neoplastic syndrome; Neoplastic Syndromes, Hereditary; Hereditary Cancer Syndrome. Identifiers: Orphanet 140162, MedGen C0027672, MeSH D009386, MONDO:0015356.
Hereditary nonpolyposis colorectal neoplasms. Identifiers: MedGen C0009405, MeSH D003123.

Submissions (2):

Labcorp Genetics (formerly Invitae), Labcorp
Classification: Pathogenic for Hereditary nonpolyposis colorectal neoplasms. Last evaluated: 2020-02-27. Review status: criteria provided, single submitter. Criteria: Invitae Variant Classification Sherloc (09022015). Collection method: clinical testing. Allele origin: germline.
Comment: This sequence change creates a premature translational stop signal (p.Leu310*) in the MSH6 gene. It is expected to result in an absent or disrupted protein product. This variant is not present in population databases (ExAC no frequency). This variant has been reported in individuals in the Universal Mutation Database (PMID: 10612827). Loss-of-function variants in MSH6 are known to be pathogenic (PMID: 18269114, 24362816). For these reasons, this variant has been classified as Pathogenic.

Ambry Genetics
Classification: Pathogenic for Hereditary cancer-predisposing syndrome. Last evaluated: 2019-05-01. Review status: criteria provided, single submitter. Criteria: Ambry Variant Classification Scheme 2023. Collection method: clinical testing. Allele origin: germline.
Comment: The c.928_929delCT pathogenic mutation, located in coding exon 4 of the MSH6 gene, results from a deletion of two nucleotides at nucleotide positions 928 to 929, creating a predicted alternate stop codon (p.L310*). This alteration is expected to result in loss of function by premature protein truncation or nonsense-mediated mRNA decay. As such, this alteration is interpreted as a disease-causing mutation.

Literature cited by the submitters: PubMed 10612827 (cited by Labcorp Genetics (formerly Invitae), Labcorp); PubMed 18269114 (cited by Labcorp Genetics (formerly Invitae), Labcorp); PubMed 24362816 (cited by Labcorp Genetics (formerly Invitae), Labcorp).